The following is an entry in ClinVar:

ClinVar aggregate classification (germline): Pathogenic (1 of 4 stars; one submission).

Conditions:
Fanconi anemia (FA). Also called: Fanconi's anemia. Identifiers: Orphanet 84, MedGen C0015625, MeSH D005199, MONDO:0019391.

Submission:

Labcorp Genetics (formerly Invitae), Labcorp
Classification: Pathogenic for Fanconi anemia. Last evaluated: 2022-10-04. Review status: criteria provided, single submitter. Criteria: Invitae Variant Classification Sherloc (09022015). Collection method: clinical testing. Allele origin: unknown.
Comment: For these reasons, this variant has been classified as Pathogenic. This variant has not been reported in the literature in individuals affected with FANCD2-related conditions. This variant is a gross deletion of the genomic region encompassing exon(s) 27-30 of the FANCD2 gene. This deletion is out-of-frame, and is expected to create a premature termination codon and result in an absent or disrupted protein product. Loss-of-function variants in FANCD2 are known to be pathogenic (PMID: 17436244).

Literature cited by the submitters: PubMed 17436244.

NC_000003.11:g.(?_10114535)_(10119901_?)del

Gene: FANCD2 (FA complementation group D2; plus strand). Cytogenetic location: 3p25.3.
Variant type: Deletion.
Identifiers: ClinVar variation 3246823 (VCV003246823.1).